The following is an entry in ClinVar:

NM_000489.6(ATRX):c.2169G>C (p.Glu723Asp)

Gene: ATRX (ATRX chromatin remodeler; minus strand). Cytogenetic location: Xq21.1.
Variant type: single nucleotide variant.
Coding change: c.2169G>C on transcript NM_000489.6 (MANE Select); coding-DNA position 2169, G replaced by C.
Protein change: p.Glu723Asp; replaces glutamic acid 723 with aspartic acid.
Molecular consequence: missense variant.
Genome position (GRCh38, 1-based): chrX:77,683,087, C>G on the plus strand (G>C on the coding strand, the complement: ATRX is on the minus strand). VCF-style: chrX-77683087-C-G. GRCh37 (hg19) VCF-style: chrX-76938579-C-G.
Other names: c.2055G>C, p.Glu685Asp (NM_138270.5); short protein forms E723D, E685D.
Identifiers: ClinVar variation 166714 (VCV000166714.52), dbSNP rs61752456, ClinGen allele CA233506.
Genomic context (GRCh38, chrX:77,683,087, plus strand): 5'-CCTGCTCACCTCTTTGAGGATTGCTAGCATTTCATCAGAATCTGAATTTTGATCCACAGT[C>G]TCTGATTGCTTAGATTTTGGCAATTTATTAGGCTTAGGATTATCTATAGCACTGTCAGAA-3'
Protein context (NP_000480.3, residues 713-733): PNKLPKSKQS[Glu723Asp]TVDQNSDSDE

ClinVar aggregate classification (germline): Benign/Likely benign. Review status: criteria provided, multiple submitters, no conflicts (2 of 4 stars). 11 submissions from 11 submitters: Benign (3); Likely benign (7). 1 of the submissions does not count toward it. Last evaluated 2026-01-28.

Conditions:
ATRX-related disorder. Also called: ATRX-related condition.
Inborn genetic diseases. Identifiers: MedGen C0950123, MeSH D030342.
Intellectual disability-hypotonic facies syndrome, X-linked, 1 (MRXHF1). Also called: Smith Fineman Myers syndrome 1; XLMR-HYPOTONIC FACIES SYNDROME; CHUDLEY-LOWRY SYNDROME; Chudley syndrome 1; Chudley-Lowry-Hoar syndrome; Carpenter-Waziri syndrome. Identifiers: Orphanet 73220, Orphanet 93970, Orphanet 93971, Orphanet 93972, Orphanet 93973, Orphanet 93974, Orphanet 93975, MedGen C4759781, MONDO:0010663, OMIM 309580.
Acquired hemoglobin H disease (ATMDS). Also called: Alpha-thalassemia myelodysplasia syndrome; Alpha-thalassemia-myelodysplastic syndrome; Alpha-thalassemia myelodysplasia syndrome, somatic. Identifiers: Orphanet 231401, MedGen C0585216, MONDO:0010328, OMIM 300448.
Alpha thalassemia-X-linked intellectual disability syndrome (ATRX). Also called: ALPHA-THALASSEMIA/MENTAL RETARDATION SYNDROME, X-LINKED; ALPHA-THALASSEMIA/IMPAIRED INTELLECTUAL DEVELOPMENT SYNDROME, X-LINKED; X-linked alpha-thalassemia-mental retardation syndrome; ATR, NONDELETION TYPE; ATR-X syndrome; Alpha thalassemia mental retardation syndrome, nondeletion type, X-linked. Identifiers: Orphanet 847, MedGen C1845055, MONDO:0010519, OMIM 301040.
Intellectual disability. Also called: Intellectual functioning disability; intellectual disabilities; Intellectual developmental disorder. Identifiers: MedGen C3714756, MeSH D008607, MONDO:0001071, HP:0001249.

Allele frequency attached by ClinVar (database versions not stated): ESP Exome Variant Server 0.00019; gnomAD exomes 0.00024; ExAC 0.00027; TOPMed 0.00036; gnomAD 0.00041 and 0.00042.
gnomAD v4.1: 635 of 1,208,785 alleles (0.053%); highest among the groups gnomAD compares: Non-Finnish European, 0.066%; 2 homozygotes.

Submissions (11):

Labcorp Genetics (formerly Invitae), Labcorp
Classification: Benign for Alpha thalassemia-X-linked intellectual disability syndrome. Last evaluated: 2026-01-28. Review status: criteria provided, single submitter. Criteria: Invitae Variant Classification Sherloc (09022015). Collection method: clinical testing. Allele origin: germline.

Blueprint Genetics
Classification: Likely benign. Last evaluated: 2024-10-17. Review status: criteria provided, single submitter. Criteria: ACMG Guidelines, 2015. Collection method: clinical testing. Allele origin: germline.

CeGaT Center for Human Genetics Tuebingen
Classification: Likely benign. Last evaluated: 2024-07-01. Review status: criteria provided, single submitter. Criteria: CeGaT Center For Human Genetics Tuebingen Variant Classification Criteria Version 2. Collection method: clinical testing. Allele origin: germline. Affected: yes. Observed: 4 variant alleles.
Comment: ATRX: BS2

Fulgent Genetics
Classification: Likely benign for Acquired hemoglobin H disease; Alpha thalassemia-X-linked intellectual disability syndrome; Intellectual disability-hypotonic facies syndrome, X-linked, 1. Last evaluated: 2022-03-07. Review status: criteria provided, single submitter. Criteria: ACMG Guidelines, 2015. Collection method: clinical testing. Allele origin: unknown.

Cambridge Genomics Laboratory, East Genomic Laboratory Hub, NHS Genomic Medicine Service
Classification: Likely benign for Intellectual disability. Last evaluated: 2019-10-24. Review status: criteria provided, single submitter. Criteria: ACGS Best Practice Guidelines for Variant Classification in Rare Disease 2020. Collection method: clinical testing. Allele origin: germline. Affected: yes. Observed: 1 variant allele.

GeneDx
Classification: Benign. Last evaluated: 2019-02-20. Review status: criteria provided, single submitter. Criteria: GeneDx Variant Classification Process June 2021. Collection method: clinical testing. Allele origin: germline. Affected: yes.

Ambry Genetics
Classification: Benign for Inborn genetic diseases. Last evaluated: 2018-04-24. Review status: criteria provided, single submitter. Criteria: Ambry Variant Classification Scheme 2023. Collection method: clinical testing. Allele origin: germline.

Genetic Services Laboratory, University of Chicago
Classification: Likely benign. Last evaluated: 2017-04-12. Review status: criteria provided, single submitter. Criteria: ACMG Guidelines, 2015. Collection method: clinical testing. Allele origin: germline. Affected: no.

Eurofins Ntd Llc (ga)
Classification: Likely benign. Last evaluated: 2015-10-28. Review status: criteria provided, single submitter. Criteria: EGL Classification Definitions 2015. Collection method: clinical testing. Allele origin: germline. Observed: 2 variant alleles, 1 heterozygote, 1 homozygote.

Genomic Diagnostic Laboratory, Division of Genomic Diagnostics, Children's Hospital of Philadelphia
Classification: Likely benign. Last evaluated: 2015-06-25. Review status: criteria provided, single submitter. Criteria: DGD Variant Analysis Guidelines. Collection method: clinical testing. Allele origin: unknown.

PreventionGenetics, part of Exact Sciences
Classification: Likely benign for ATRX-related condition. Last evaluated: 2021-03-05. Review status: no assertion criteria provided. Collection method: clinical testing. Allele origin: germline. Not counted in ClinVar's aggregate classification.
Comment: This variant is classified as likely benign based on ACMG/AMP sequence variant interpretation guidelines (Richards et al. 2015 PMID: 25741868, with internal and published modifications).